The following is an entry in ClinVar:

NM_001006658.3(CR2):c.622C>A (p.Pro208Thr)

Gene: CR2 (complement C3d receptor 2; plus strand). Cytogenetic location: 1q32.2.
Variant type: single nucleotide variant.
Coding change: c.622C>A on transcript NM_001006658.3 (MANE Select); coding-DNA position 622, C replaced by A.
Protein change: p.Pro208Thr; replaces proline 208 with threonine.
Molecular consequence: missense variant.
Genome position (GRCh38, 1-based): chr1:207,468,703, C>A. VCF-style: chr1-207468703-C-A. GRCh37 (hg19) VCF-style: chr1-207642048-C-A.
Other names: c.622C>A, p.Pro208Thr (NM_001877.5); short protein forms P208T.
Identifiers: ClinVar variation 3671428 (VCV003671428.2).

ClinVar aggregate classification (germline): Uncertain significance (1 of 4 stars; one submission).

Conditions:
Immunodeficiency, common variable, 7. Identifiers: Orphanet 1572, Orphanet 696894, MedGen C3542922, MONDO:0013862, OMIM 614699.

gnomAD v4.1: 15 of 1,613,872 alleles (0.00093%); highest among the groups gnomAD compares: East Asian, 0.033%; no homozygotes.

Submission:

Labcorp Genetics (formerly Invitae), Labcorp
Classification: Uncertain significance for Immunodeficiency, common variable, 7. Last evaluated: 2024-11-08. Review status: criteria provided, single submitter. Criteria: Invitae Variant Classification Sherloc (09022015). Collection method: clinical testing. Allele origin: germline.
Comment: This sequence change replaces proline, which is neutral and non-polar, with threonine, which is neutral and polar, at codon 208 of the CR2 protein (p.Pro208Thr). This variant is present in population databases (rs769415969, gnomAD 0.06%). This variant has not been reported in the literature in individuals affected with CR2-related conditions. An algorithm developed to predict the effect of missense changes on protein structure and function (PolyPhen-2) suggests that this variant is likely to be disruptive. In summary, the available evidence is currently insufficient to determine the role of this variant in disease. Therefore, it has been classified as a Variant of Uncertain Significance.